The following is an entry in ClinVar:

NM_012250.6(RRAS2):c.208G>A (p.Ala70Thr)

Gene: RRAS2 (RAS related 2; minus strand). Cytogenetic location: 11p15.2.
Variant type: single nucleotide variant.
Coding change: c.208G>A on transcript NM_012250.6 (MANE Select); coding-DNA position 208, G replaced by A.
Protein change: p.Ala70Thr; replaces alanine 70 with threonine.
Molecular consequence: missense variant.
Genome position (GRCh38, 1-based): chr11:14,294,851, C>T on the plus strand (G>A on the coding strand, the complement: RRAS2 is on the minus strand). VCF-style: chr11-14294851-C-T. GRCh37 (hg19) VCF-style: chr11-14316397-C-T.
Other names: NM_012250.6(RRAS2):c.208G>A; p.Ala70Thr; c.-24G>A (NM_001102669.3, NM_001177315.2); c.103G>A, p.Ala35Thr (NM_001177314.2); short protein forms A35T, A70T.
Identifiers: ClinVar variation 626912 (VCV000626912.10), dbSNP rs782457908, ClinGen allele CA5894328.

ClinVar aggregate classification (germline): Likely pathogenic. Review status: reviewed by expert panel (3 of 4 stars). 7 submissions from 7 submitters: Likely pathogenic (1). 6 of the submissions do not count toward it. Last evaluated 2024-09-17.

Conditions:
Noonan syndrome 12. Identifiers: MedGen C5231432, MONDO:0032839, OMIM 618624.
Noonan syndrome (NS). Also called: Noonan's syndrome. Identifiers: Orphanet 648, MedGen C0028326, MeSH D009634, MONDO:0018997. Disease mechanism: gain of function.
RRAS2-related disorder. Also called: RRAS2-related condition.
RASopathy. Also called: Noonan spectrum disorder; rasopathies. Identifiers: Orphanet 536391, MedGen C5555857, MONDO:0021060.

Allele frequency attached by ClinVar (database versions not stated): ExAC 0.00001; gnomAD exomes 0.00001; TOPMed 0.00001.

Submissions (7):

ClinGen RASopathy Variant Curation Expert Panel
Classification: Likely pathogenic for RASopathy. Last evaluated: 2024-09-17. Review status: reviewed by expert panel. Criteria: ClinGen RASopathy ACMG Specifications RRAS2 V1.1.0. Collection method: curation. Allele origin: germline. Inheritance: Autosomal dominant inheritance.
Comment: The c.208G>A (p.Ala70Thr) variant in RRAS2 is a missense variant predicted to cause substitution of alanine by threonine at amino acid 70. The highest population filtering allele frequency in gnomAD v2.1.1 is 0.00001084 (2/30538 alleles) in the South Asian population (PM2_Supporting, BS1, and BA1 are not met). The computational predictor REVEL gives a score of 0.863, which is above the threshold of 0.7, evidence that correlates with impact to RRAS2 function (PP3). This variant resides within the Switch II domain (amino acids 68 – 75), of RRAS2 that is defined as a critical functional domain by the ClinGen RASopathy VCEP (PM1). ERK Activation in HEK293T cells showed constitutive promotion of increased ERK phosphorylation indicating that this variant impacts protein function (PMID:31130282)(PS3_Supporting). This variant has been reported in 2 probands with features of RASopathy (PS4_Supporting; PMID:31130282). This variant has been identified as a de novo occurrence with confirmed parental relationships in 1 individual with features of RASopathy (PS2; PMID:31130282). In summary, this variant meets the criteria to be classified as likely pathogenic for autosomal dominant RASopathy based on the ACMG/AMP criteria applied, as specified by the ClinGen RASopathy VCEP: PS2, PM1, PS3_Supporting, PS4_Supporting, PP3. (RASopathy VCEP specifications version 1.1; 9/17/2024)

Variantyx, Inc.
Classification: Likely pathogenic for Noonan syndrome 12. Last evaluated: 2025-11-06. Review status: criteria provided, single submitter. Criteria: Variantyx Assertion Criteria 2022. Collection method: clinical testing. Allele origin: de novo. Inheritance: Autosomal dominant inheritance. Affected: yes. Not counted in ClinVar's aggregate classification.
Comment: This is a nonsynonymous variant in the RRAS2 gene (OMIM: 600098). Pathogenic variants in this gene have been associated with autosomal dominant Noonan syndrome 12. It has been reported in at least one affected individual (PMID: 31130282) (PS4). Functional studies have shown that this variant alters RRAS2 protein function (PMID: 31130282) (PS3) and multiple computational algorithms predict a deleterious effect for this variant (REVEL score: 0.863) (PP3). This variant lies within a known hotspot for pathogenic variants or a well-established critical functional domain of the RRAS2 protein (PM1) and has a 0.0022% maximum allele frequency in non-founder control populations. Based on the evidence) this variant is classified as likely pathogenic for autosomal dominant Noonan syndrome .Inheritance from a mildly affected parent has been reported, consistent with incomplete penetrance and variable expressivity (PMID: 31130282).

GeneDx
Classification: Likely pathogenic. Last evaluated: 2025-05-30. Review status: criteria provided, single submitter. Criteria: GeneDx Variant Classification Process June 2021. Collection method: clinical testing. Allele origin: germline. Affected: yes. Not counted in ClinVar's aggregate classification.
Comment: Published functional studies suggest a damaging effect: constitutive promotion of increased ERK phosphorylation (PMID: 31130282); In silico analysis supports that this missense variant has a deleterious effect on protein structure/function; This variant is associated with the following publications: (PMID: 33057194, 31130282, 35982159, 35979676, 36460282, 37942564)

Institute of Human Genetics, University of Leipzig Medical Center
Classification: Likely pathogenic for Noonan syndrome 12. Last evaluated: 2024-10-30. Review status: criteria provided, single submitter. Criteria: ACMG Guidelines, 2015. Collection method: clinical testing. Allele origin: unknown. Inheritance: Autosomal dominant inheritance. Affected: yes. Not counted in ClinVar's aggregate classification.
Comment: Criteria applied: PS2,PM1,PS3_SUP,PS4_SUP,PP3

PreventionGenetics, part of Exact Sciences
Classification: Uncertain significance for RRAS2-related condition. Last evaluated: 2023-02-20. Review status: criteria provided, single submitter. Criteria: ACMG Guidelines, 2015. Collection method: clinical testing. Allele origin: germline. Not counted in ClinVar's aggregate classification.
Comment: The RRAS2 c.208G>A variant is predicted to result in the amino acid substitution p.Ala70Thr. This variant was reported to segregate with disease in a three generation family with Noonan syndrome (Capri et al. 2019. PubMed ID: 31130282). Functional studies demonstrate this variant results in increased p-MEK/ERK levels, consistent with a gain-of-function mechanism, resulting in hyperactivation of the RAS pathway (Capri et al. 2019. PubMed ID: 31130282). This variant is reported in 0.0065% of alleles in individuals of South Asian descent in gnomAD. Although we suspect that this variant may be pathogenic, at this time, the clinical significance of this variant is uncertain due to the absence of conclusive functional and genetic evidence.

Tartaglia Lab, Genetics and Rare Diseases Research Division, Bambino Gesu' Children's Hospital
Classification: Pathogenic for Noonan Syndrome. Last evaluated: 2019-04-01. Review status: criteria provided, single submitter. Criteria: ACMG Guidelines, 2015. Collection method: research. Allele origin: de novo. Affected: yes. Not counted in ClinVar's aggregate classification.
Comment: this is a pathogenic variant associated with Noonan Syndrome

OMIM
Classification: Pathogenic for NOONAN SYNDROME 12. Last evaluated: 2019-10-15. Review status: no assertion criteria provided. Collection method: literature only. Allele origin: germline. Not counted in ClinVar's aggregate classification.

Literature cited by the submitters: PubMed 31130282 (cited by Variantyx, Inc. and OMIM).